The following is an entry in ClinVar:

NM_004725.4(BUB3):c.408G>T (p.Gln136His)

Gene: BUB3 (BUB3 mitotic checkpoint protein; plus strand). Cytogenetic location: 10q26.13.
Variant type: single nucleotide variant.
Coding change: c.408G>T on transcript NM_004725.4 (MANE Select); coding-DNA position 408, G replaced by T.
Protein change: p.Gln136His; replaces glutamine 136 with histidine.
Molecular consequence: missense variant.
Genome position (GRCh38, 1-based): chr10:123,157,871, G>T. VCF-style: chr10-123157871-G-T. GRCh37 (hg19) VCF-style: chr10-124917387-G-T.
Other names: c.408G>T, p.Gln136His (NM_001007793.3); short protein forms Q136H.
Identifiers: ClinVar variation 1737728 (VCV001737728.2), dbSNP rs769197778, ClinGen allele CA378625648.

ClinVar aggregate classification (germline): Uncertain significance (1 of 4 stars; one submission).

Allele frequency attached by ClinVar (database versions not stated): gnomAD 0.00001; TOPMed 0.00003.
gnomAD v4.1: 2 of 1,612,652 alleles (0.00012%); highest among the groups gnomAD compares: African/African-American, 0.0027%; no homozygotes.

Submission:

Ambry Genetics
Classification: Uncertain significance. Last evaluated: 2024-03-21. Review status: criteria provided, single submitter. Criteria: Ambry Variant Classification Scheme 2023. Collection method: clinical testing. Allele origin: germline.
Comment: The p.Q136H variant (also known as c.408G>T), located in coding exon 3 of the BUB3 gene, results from a G to T substitution at nucleotide position 408. The glutamine at codon 136 is replaced by histidine, an amino acid with highly similar properties. This amino acid position is conserved. In addition, the in silico prediction for this alteration is inconclusive. Since supporting evidence is limited at this time, the clinical significance of this alteration remains unclear.